The following is an entry in ClinVar:

NM_001372.4(DNAH9):c.6577A>G (p.Ile2193Val)

Gene: DNAH9 (dynein axonemal heavy chain 9; plus strand). Cytogenetic location: 17p12.
Variant type: single nucleotide variant.
Coding change: c.6577A>G on transcript NM_001372.4 (MANE Select); coding-DNA position 6577, A replaced by G.
Protein change: p.Ile2193Val; replaces isoleucine 2193 with valine.
Molecular consequence: missense variant.
Genome position (GRCh38, 1-based): chr17:11,747,733, A>G. VCF-style: chr17-11747733-A-G. GRCh37 (hg19) VCF-style: chr17-11651050-A-G.
Other names: short protein forms I2193V.
Identifiers: ClinVar variation 2079154 (VCV002079154.1), dbSNP rs142544308, ClinGen allele CA8396349.

ClinVar aggregate classification (germline): Uncertain significance (1 of 4 stars; one submission).

Allele frequency attached by ClinVar (database versions not stated): gnomAD exomes 0.00003; ExAC 0.00012; ESP Exome Variant Server 0.00046; 1000 Genomes Project 0.00060; 1000 Genomes Project 30x 0.00062.
gnomAD v4.1: 73 of 1,614,100 alleles (0.0045%); highest among the groups gnomAD compares: African/African-American, 0.064%; no homozygotes.

Submission:

Labcorp Genetics (formerly Invitae), Labcorp
Classification: Uncertain significance. Last evaluated: 2022-08-04. Review status: criteria provided, single submitter. Criteria: Invitae Variant Classification Sherloc (09022015). Collection method: clinical testing. Allele origin: germline.
Comment: This sequence change replaces isoleucine, which is neutral and non-polar, with valine, which is neutral and non-polar, at codon 2193 of the DNAH9 protein (p.Ile2193Val). This variant is present in population databases (rs142544308, gnomAD 0.07%). This variant has not been reported in the literature in individuals affected with DNAH9-related conditions. Algorithms developed to predict the effect of missense changes on protein structure and function output the following: SIFT: "Tolerated"; PolyPhen-2: "Benign"; Align-GVGD: "Class C0". The valine amino acid residue is found in multiple mammalian species, which suggests that this missense change does not adversely affect protein function. In summary, the available evidence is currently insufficient to determine the role of this variant in disease. Therefore, it has been classified as a Variant of Uncertain Significance.